The following is an entry in ClinVar:

ClinVar aggregate classification (germline): Uncertain significance (1 of 4 stars; one submission).

Conditions:
Hereditary cancer-predisposing syndrome. Also called: Neoplastic Syndromes, Hereditary; Tumor predisposition; Hereditary neoplastic syndrome; Hereditary Cancer Syndrome. Identifiers: Orphanet 140162, MedGen C0027672, MeSH D009386, MONDO:0015356.

Submission:

Ambry Genetics
Classification: Uncertain significance for Hereditary cancer-predisposing syndrome. Last evaluated: 2023-12-10. Review status: criteria provided, single submitter. Criteria: Ambry Variant Classification Scheme 2023. Collection method: clinical testing. Allele origin: germline.
Comment: The p.F732I variant (also known as c.2194T>A), located in coding exon 11 of the BARD1 gene, results from a T to A substitution at nucleotide position 2194. The phenylalanine at codon 732 is replaced by isoleucine, an amino acid with highly similar properties. This amino acid position is conserved. In addition, this alteration is predicted to be tolerated by in silico analysis. Since supporting evidence is limited at this time, the clinical significance of this alteration remains unclear.

NM_000465.4(BARD1):c.2194T>A (p.Phe732Ile)

Gene: BARD1 (BRCA1 associated RING domain 1; minus strand). Cytogenetic location: 2q35.
Variant type: single nucleotide variant.
Coding change: c.2194T>A on transcript NM_000465.4 (MANE Select); coding-DNA position 2194, T replaced by A.
Protein change: p.Phe732Ile; replaces phenylalanine 732 with isoleucine.
Molecular consequence: missense variant. On other transcripts: non-coding transcript variant (3).
Genome position (GRCh38, 1-based): chr2:214,728,816, A>T on the plus strand (T>A on the coding strand, the complement: BARD1 is on the minus strand). VCF-style: chr2-214728816-A-T. GRCh37 (hg19) VCF-style: chr2-215593540-A-T.
Other names: c.2137T>A, p.Phe713Ile (NM_001282543.2); c.841T>A, p.Phe281Ile (NM_001282545.2); c.784T>A, p.Phe262Ile (NM_001282548.2); c.655T>A, p.Phe219Ile (NM_001282549.2); short protein forms F219I, F262I, F281I, F713I, F732I.
Identifiers: ClinVar variation 3231791 (VCV003231791.1), dbSNP rs2469269144, ClinGen allele CA350450282.